The following is an entry in ClinVar:

NM_001291303.3(FAT4):c.7935C>T (p.Asp2645=)

Gene: FAT4 (FAT atypical cadherin 4; plus strand). Cytogenetic location: 4q28.1.
Variant type: single nucleotide variant.
Coding change: c.7935C>T on transcript NM_001291303.3 (MANE Select); coding-DNA position 7935, C replaced by T.
Protein change: p.Asp2645=; no amino-acid change (aspartic acid 2645 retained).
Molecular consequence: synonymous variant.
Genome position (GRCh38, 1-based): chr4:125,448,945, C>T. VCF-style: chr4-125448945-C-T. GRCh37 (hg19) VCF-style: chr4-126370100-C-T.
Other names: c.7935C>T, p.Asp2645= (NM_001291285.3); c.7929C>T, p.Asp2643= (NM_024582.6).
Identifiers: ClinVar variation 435173 (VCV000435173.42), dbSNP rs146157250, ClinGen allele CA3073281.

ClinVar aggregate classification (germline): Benign/Likely benign. Review status: criteria provided, multiple submitters, no conflicts (2 of 4 stars). 6 submissions from 6 submitters: Benign (1); Likely benign (4). 1 of the submissions does not count toward it. Last evaluated 2026-10-01.

Conditions:
FAT4-related disorder. Also called: FAT4-related condition.

Allele frequency attached by ClinVar (database versions not stated): gnomAD exomes 0.00095 and 0.00145; ExAC 0.00120; ESP Exome Variant Server 0.00185; gnomAD 0.00237 and 0.00244; 1000 Genomes Project 0.00240; 1000 Genomes Project 30x 0.00250; TOPMed 0.00305.
gnomAD v4.1: 1,837 of 1,613,590 alleles (0.11%); highest among the groups gnomAD compares: Middle Eastern, 0.54%; 10 homozygotes.

Submissions (6):

CeGaT Center for Human Genetics Tuebingen
Classification: Likely benign. Last evaluated: 2026-10-01. Review status: criteria provided, single submitter. Criteria: CeGaT Center For Human Genetics Tuebingen Variant Classification Criteria Version 2. Collection method: clinical testing. Allele origin: germline. Affected: yes. Observed: 7 variant alleles.
Comment: FAT4: BP4, BP7

Labcorp Genetics (formerly Invitae), Labcorp
Classification: Benign. Last evaluated: 2026-01-18. Review status: criteria provided, single submitter. Criteria: Invitae Variant Classification Sherloc (09022015). Collection method: clinical testing. Allele origin: germline.

GeneDx
Classification: Likely benign. Last evaluated: 2021-01-23. Review status: criteria provided, single submitter. Criteria: GeneDx Variant Classification Process June 2021. Collection method: clinical testing. Allele origin: germline. Affected: yes.

Genetic Services Laboratory, University of Chicago
Classification: Likely benign. Last evaluated: 2016-09-14. Review status: criteria provided, single submitter. Criteria: ACMG Guidelines, 2015. Collection method: clinical testing. Allele origin: germline. Affected: no.

Breakthrough Genomics
Classification: Likely benign. Review status: criteria provided, single submitter. Criteria: ACMG Guidelines, 2015. Collection method: not provided. Allele origin: germline. Inheritance: Autosomal recessive inheritance. Affected: yes.

PreventionGenetics, part of Exact Sciences
Classification: Likely benign for FAT4-related condition. Last evaluated: 2020-07-17. Review status: no assertion criteria provided. Collection method: clinical testing. Allele origin: germline. Not counted in ClinVar's aggregate classification.
Comment: This variant is classified as likely benign based on ACMG/AMP sequence variant interpretation guidelines (Richards et al. 2015 PMID: 25741868, with internal and published modifications).